The following is an entry in ClinVar:

ClinVar aggregate classification (germline): Pathogenic. Review status: criteria provided, multiple submitters, no conflicts (2 of 4 stars). 3 submissions from 3 submitters: Pathogenic (2). 1 of the submissions does not count toward it. Last evaluated 2025-02-11.

Conditions:
Tuberous sclerosis syndrome (TSC). Also called: Tuberous Sclerosis Complex; Tuberous sclerosis. Identifiers: Orphanet 805, MedGen C0041341, MONDO:0001734.
Tuberous sclerosis 2 (TSC2). Identifiers: Orphanet 805, MedGen C1860707, MONDO:0013199, OMIM 613254.

Submissions (3):

GeneDx
Classification: Pathogenic. Last evaluated: 2025-02-11. Review status: criteria provided, single submitter. Criteria: GeneDx Variant Classification Process June 2021. Collection method: clinical testing. Allele origin: germline. Affected: yes.
Comment: Published functional studies demonstrate impaired phosphorylation of tuberin tyrosine residues, inhibited formation of the tuberinhamartin complex, and loss of the tuberin chaperone function (PMID: 21309039, 11741832, 15483652); In silico analysis supports that this missense variant has a deleterious effect on protein structure/function; Not observed at significant frequency in large population cohorts (gnomAD); This variant is associated with the following publications: (PMID: 11741832, 15483652, 21309039, 16391386, 32842942, 10205261, 32313033)

Labcorp Genetics (formerly Invitae), Labcorp
Classification: Pathogenic for Tuberous sclerosis 2. Last evaluated: 2023-08-16. Review status: criteria provided, single submitter. Criteria: Invitae Variant Classification Sherloc (09022015). Collection method: clinical testing. Allele origin: germline.
Comment: This variant is also known as C1859A. For these reasons, this variant has been classified as Pathogenic. This variant disrupts the p.Ala614 amino acid residue in TSC2. Other variant(s) that disrupt this residue have been determined to be pathogenic (Invitae). This suggests that this residue is clinically significant, and that variants that disrupt this residue are likely to be disease-causing. Experimental studies have shown that this missense change affects TSC2 function (PMID: 11741832). An algorithm developed to predict the effect of missense changes on protein structure and function (PolyPhen-2) suggests that this variant is likely to be disruptive. ClinVar contains an entry for this variant (Variation ID: 49721). This missense change has been observed in individual(s) with tuberous sclerosis complex (PMID: 10205261). In at least one individual the variant was observed to be de novo. This variant is not present in population databases (gnomAD no frequency). This sequence change replaces alanine, which is neutral and non-polar, with aspartic acid, which is acidic and polar, at codon 614 of the TSC2 protein (p.Ala614Asp).

Tuberous sclerosis database (TSC2)
No classification provided. Condition: TSC. Review status: no classification provided. Criteria: Tuberous Sclerosis Database Assertion Criteria 2015. Collection method: curation. Allele origin: germline. Affected: yes. Not counted in ClinVar's aggregate classification.

Literature cited by the submitters: PubMed 11741832 (cited by Labcorp Genetics (formerly Invitae), Labcorp); PubMed 10205261 (cited by Labcorp Genetics (formerly Invitae), Labcorp).

NM_000548.5(TSC2):c.1841C>A (p.Ala614Asp)

Gene: TSC2 (TSC complex subunit 2; plus strand). Cytogenetic location: 16p13.3.
Variant type: single nucleotide variant.
Coding change: c.1841C>A on transcript NM_000548.5 (MANE Select); coding-DNA position 1841, C replaced by A.
Protein change: p.Ala614Asp; replaces alanine 614 with aspartic acid.
Molecular consequence: missense variant.
Genome position (GRCh38, 1-based): chr16:2,071,511, C>A. VCF-style: chr16-2071511-C-A. GRCh37 (hg19) VCF-style: chr16-2121512-C-A.
Other names: c.1841C>A, p.Ala614Asp (NM_001077183.3, NM_001114382.3, NM_001363528.2 and 3 more transcripts); c.1730C>A, p.Ala577Asp (NM_001318827.2); c.1694C>A, p.Ala565Asp (NM_001318829.2); c.1241C>A, p.Ala414Asp (NM_001318831.2); c.1874C>A, p.Ala625Asp (NM_001318832.2); short protein forms A614D, A414D, A577D, A565D, A625D.
Identifiers: ClinVar variation 49721 (VCV000049721.7), dbSNP rs45454398, ClinGen allele CA016019.